The following is an entry in ClinVar:

NM_139076.3(ABRAXAS1):c.92G>T (p.Gly31Val)

Gene: ABRAXAS1 (abraxas 1, BRCA1 A complex subunit; minus strand). Cytogenetic location: 4q21.23.
Variant type: single nucleotide variant.
Coding change: c.92G>T on transcript NM_139076.3 (MANE Select); coding-DNA position 92, G replaced by T.
Protein change: p.Gly31Val; replaces glycine 31 with valine.
Molecular consequence: missense variant. On other transcripts: 5 prime UTR variant (1).
Genome position (GRCh38, 1-based): chr4:83,482,240, C>A on the plus strand (G>T on the coding strand, the complement: ABRAXAS1 is on the minus strand). VCF-style: chr4-83482240-C-A. GRCh37 (hg19) VCF-style: chr4-84403393-C-A.
Other names: c.-169G>T (NM_001345962.2); short protein forms G31V.
Identifiers: ClinVar variation 1999879 (VCV001999879.4), dbSNP rs756325320, ClinGen allele CA2990647.
Genomic context (GRCh38, chr4:83,482,240, plus strand): 5'-TCCATTTGGGAATCAGTAATGCTGTTCTTGGCTTCACCTTTTACTTCCCCAAGAAGAAAA[C>A]CTTCCTATGAAGATAAAGAGGCAATATATAGAATACACTGATAGAATTACTGTTCACTTA-3'
Protein context (NP_620775.2, residues 21-41): QHLNTDSDTE[Gly31Val]FLLGEVKGEA

ClinVar aggregate classification (germline): Uncertain significance (1 of 4 stars; one submission).

Allele frequency attached by ClinVar (database versions not stated): ExAC 0.00001.

Submission:

Labcorp Genetics (formerly Invitae), Labcorp
Classification: Uncertain significance. Last evaluated: 2025-07-31. Review status: criteria provided, single submitter. Criteria: Invitae Variant Classification Sherloc (09022015). Collection method: clinical testing. Allele origin: germline.
Comment: This sequence change replaces glycine, which is neutral and non-polar, with valine, which is neutral and non-polar, at codon 31 of the ABRAXAS1 protein (p.Gly31Val). This variant is not present in population databases (gnomAD no frequency). This variant has not been reported in the literature in individuals affected with ABRAXAS1-related conditions. ClinVar contains an entry for this variant (Variation ID: 1999879). Invitae Evidence Modeling of protein sequence and biophysical properties (such as structural, functional, and spatial information, amino acid conservation, physicochemical variation, residue mobility, and thermodynamic stability) indicates that this missense variant is expected to disrupt ABRAXAS1 protein function with a positive predictive value of 80%. In summary, the available evidence is currently insufficient to determine the role of this variant in disease. Therefore, it has been classified as a Variant of Uncertain Significance.